The following is an entry in ClinVar:

NM_152594.3(SPRED1):c.70C>T (p.Arg24Ter)

Gene: SPRED1 (sprouty related EVH1 domain containing 1; plus strand). Cytogenetic location: 15q14.
Variant type: single nucleotide variant.
Coding change: c.70C>T on transcript NM_152594.3 (MANE Select); coding-DNA position 70, C replaced by T.
Protein change: p.Arg24Ter; replaces arginine 24 with a stop codon.
Molecular consequence: nonsense.
Genome position (GRCh38, 1-based): chr15:38,299,410, C>T. VCF-style: chr15-38299410-C-T. GRCh37 (hg19) VCF-style: chr15-38591611-C-T.
Other names: short protein forms R24*.
Identifiers: ClinVar variation 1810 (VCV000001810.50), dbSNP rs121434313, ClinGen allele CA251951.

ClinVar aggregate classification (germline): Pathogenic. Review status: criteria provided, multiple submitters, no conflicts (2 of 4 stars). 6 submissions from 6 submitters: Pathogenic (5). 1 of the submissions does not count toward it. Last evaluated 2025-08-17.

Conditions:
Legius syndrome. Identifiers: Orphanet 137605, MedGen C1969623, MONDO:0012669, OMIM 611431. Disease mechanism: loss of function.

Allele frequency attached by ClinVar (database versions not stated): gnomAD exomes below 0.00001; gnomAD 0.00001.

Submissions (6):

Labcorp Genetics (formerly Invitae), Labcorp
Classification: Pathogenic for Legius syndrome. Last evaluated: 2025-08-17. Review status: criteria provided, single submitter. Criteria: Invitae Variant Classification Sherloc (09022015). Collection method: clinical testing. Allele origin: germline.
Comment: This sequence change creates a premature translational stop signal (p.Arg24*) in the SPRED1 gene. It is expected to result in an absent or disrupted protein product. Loss-of-function variants in SPRED1 are known to be pathogenic (PMID: 17704776). This variant is present in population databases (rs121434313, gnomAD 0.01%). This premature translational stop signal has been observed in individuals with Legius syndrome (PMID: 17704776, 19920235, 21089071). Invitae Evidence Modeling of clinical and family history, age, sex, and reported ancestry of multiple individuals with this SPRED1 variant has been performed. This variant is expected to be pathogenic with a positive predictive value of at least 99%. This is a validated machine learning model that incorporates the clinical features of 198,265 individuals referred to our laboratory for SPRED1 testing. ClinVar contains an entry for this variant (Variation ID: 1810). For these reasons, this variant has been classified as Pathogenic.

CeGaT Center for Human Genetics Tuebingen
Classification: Pathogenic. Last evaluated: 2023-09-01. Review status: criteria provided, single submitter. Criteria: CeGaT Center For Human Genetics Tuebingen Variant Classification Criteria Version 2. Collection method: clinical testing. Allele origin: germline. Affected: yes. Observed: 2 variant alleles.
Comment: SPRED1: PVS1, PP1:Strong, PM2

Victorian Clinical Genetics Services, Murdoch Childrens Research Institute
Classification: Pathogenic for Legius syndrome. Last evaluated: 2023-07-17. Review status: criteria provided, single submitter. Criteria: ACMG Guidelines, 2015. Collection method: clinical testing. Allele origin: germline. Inheritance: Autosomal dominant inheritance. Affected: yes.
Comment: Based on the classification scheme VCGS_Germline_v1.3.4, this variant is classified as Pathogenic. Following criteria are met: 0102 - Loss of function is a known mechanism of disease in this gene and is associated with Legius syndrome (MIM#611431). (I) 0107 - This gene is associated with autosomal dominant disease. (I) 0204 - Variant is predicted to result in a truncated protein (premature termination codon is located within the first 102 nucleotides of the coding sequence and is predicted to escape nonsense-mediated decay). (SP) 0251 - This variant is heterozygous. (I) 0302 - Variant is present in gnomAD (v2, v3) <0.001 for a dominant condition (1 heterozygote, 0 homozygotes). (SP) 0701 - Other 5' NMD-escape variants comparable to the one identified in this case have very strong previous evidence for pathogenicity (DECIPHER). (SP) 0801 - This variant has strong previous evidence of pathogenicity in unrelated individuals. This variant has been reported as pathogenic, and observed in several individuals with a neurofibromatosis-like phenotype, cafe-au-lait or Legius syndrome (ClinVar, PMID: 28378438, PMID: 17704776, PMID: 31370276). (I) Legend: (SP) - Supporting pathogenic, (I) - Information, (SB) - Supporting benign

Women's Health and Genetics/Laboratory Corporation of America, LabCorp
Classification: Pathogenic for Legius syndrome. Last evaluated: 2023-06-20. Review status: criteria provided, single submitter. Criteria: LabCorp Variant Classification Summary - May 2015. Collection method: clinical testing. Allele origin: germline.
Comment: Variant summary: SPRED1 c.70C>T (p.Arg24X) results in a premature termination codon, predicted to cause absence of the protein due to nonsense mediated decay, a commonly known mechanism for disease. The variant was absent in 251158 control chromosomes (gnomAD). c.70C>T has been reported in the literature in multiple individuals affected with Neurofibromatosis Type 1-Like Syndrome (Legius Syndrome) and has been found to segregate with the disease phenotype in at least one family (e.g. Brems_2007). These data indicate that the variant is very likely to be associated with disease. The following publication has been ascertained in the context of this evaluation (PMID: 17704776). Two submitters have cited clinical-significance assessments for this variant to ClinVar after 2014 and both classified the variant as pathogenic. Based on the evidence outlined above, the variant was classified as pathogenic.

3billion
Classification: Pathogenic for Legius syndrome. Review status: criteria provided, single submitter. Criteria: ACMG Guidelines, 2015. Collection method: clinical testing. Allele origin: unknown. Affected: yes. Observed: 1 heterozygote.
Comment: The variant is observed at an extremely low frequency in the gnomAD v2.1.1 dataset (total allele frequency: 0.003%). The variant is predicted to result in a loss or disruption of normal protein function through nonsense-mediated decay (NMD) or protein truncation. Multiple pathogenic variants are reported downstream of the variant. The variant has been reported at least twice as pathogenic without evidence for the classification (ClinVar ID: VCV000001810 / PMID: 17704776). Therefore, this variant is classified as Pathogenic according to the recommendation of ACMG/AMP guideline.

OMIM
Classification: Pathogenic for LEGIUS SYNDROME. Last evaluated: 2007-09-01. Review status: no assertion criteria provided. Collection method: literature only. Allele origin: unknown. Not counted in ClinVar's aggregate classification.

Literature cited by the submitters: PubMed 17704776 (cited by 5 submitters); PubMed 19920235 (cited by Labcorp Genetics (formerly Invitae), Labcorp); PubMed 21089071 (cited by Labcorp Genetics (formerly Invitae), Labcorp); PubMed 28378438 (cited by Victorian Clinical Genetics Services, Murdoch Childrens Research Institute); PubMed 31370276 (cited by Victorian Clinical Genetics Services, Murdoch Childrens Research Institute).